The following is an entry in ClinVar:

ClinVar aggregate classification (germline): Benign/Likely benign. Review status: criteria provided, multiple submitters, no conflicts (2 of 4 stars). 13 submissions from 13 submitters: Benign (6); Likely benign (4). 3 of the submissions do not count toward it. Last evaluated 2026-07-01.

Conditions:
SPAST-related disorder. Also called: SPAST-related condition.
Hereditary spastic paraplegia 4. Also called: Spastic paraplegia 4, autosomal dominant; Spastic Paraplegia 4; Familial spastic paraplegia autosomal dominant 2. Identifiers: Orphanet 100985, MedGen C1866855, MONDO:0008438, OMIM 182601.
Hereditary spastic paraplegia. Also called: Familial spastic paraparesis. Identifiers: Orphanet 685, MedGen C0037773, MONDO:0019064. Disease mechanism: loss of function.

Allele frequency attached by ClinVar (database versions not stated): TOPMed 0.00075; ESP Exome Variant Server 0.00115; gnomAD 0.00184 and 0.00192; ExAC 0.00188; gnomAD exomes 0.00200; 1000 Genomes Project 0.00020; 1000 Genomes Project 30x 0.00031.
gnomAD v4.1: 2,530 of 1,596,058 alleles (0.16%); highest among the groups gnomAD compares: Non-Finnish European, 0.14%; 10 homozygotes.

Submissions (13):

CeGaT Center for Human Genetics Tuebingen
Classification: Benign. Last evaluated: 2026-07-01. Review status: criteria provided, single submitter. Criteria: CeGaT Center For Human Genetics Tuebingen Variant Classification Criteria Version 2. Collection method: clinical testing. Allele origin: germline. Affected: yes. Observed: 3 variant alleles.
Comment: SPAST: BP4, BS1, BS2

Labcorp Genetics (formerly Invitae), Labcorp
Classification: Benign for Hereditary spastic paraplegia 4. Last evaluated: 2025-12-10. Review status: criteria provided, single submitter. Criteria: Invitae Variant Classification Sherloc (09022015). Collection method: clinical testing. Allele origin: germline.

Blueprint Genetics
Classification: Likely benign. Last evaluated: 2024-10-28. Review status: criteria provided, single submitter. Criteria: ACMG Guidelines, 2015. Collection method: clinical testing. Allele origin: germline.

Fulgent Genetics
Classification: Likely benign for Hereditary spastic paraplegia 4. Last evaluated: 2021-09-17. Review status: criteria provided, single submitter. Criteria: ACMG Guidelines, 2015. Collection method: clinical testing. Allele origin: unknown.

Mayo Clinic Laboratories, Mayo Clinic
Classification: Benign. Last evaluated: 2020-11-27. Review status: criteria provided, single submitter. Criteria: ACMG Guidelines, 2015. Collection method: clinical testing. Allele origin: germline. Observed: 6 variant alleles.

SIB Swiss Institute of Bioinformatics
Classification: Likely benign for Hereditary spastic paraplegia 4. Last evaluated: 2020-09-04. Review status: criteria provided, single submitter. Criteria: ACMG Guidelines, 2015. Collection method: curation. Allele origin: unknown. Inheritance: Autosomal dominant inheritance.
Comment: This variant is interpreted as likely benign for Spastic paraplegia 4, autosomal dominant. Multiple lines of computational evidence suggest that this variant has no impact on gene or gene product (BP4) and this variant has frequency in gnomAD not consistent with disease (BS1).

Genome Diagnostics Laboratory, The Hospital for Sick Children
Classification: Likely benign for Hereditary spastic paraplegia. Last evaluated: 2019-10-01. Review status: criteria provided, single submitter. Criteria: ACMG Guidelines, 2015. Collection method: clinical testing. Allele origin: germline. Affected: yes.

Illumina Laboratory Services, Illumina
Classification: Benign for Hereditary spastic paraplegia 4. Last evaluated: 2018-03-06. Review status: criteria provided, single submitter. Criteria: ICSL Variant Classification Criteria 13 December 2019. Collection method: clinical testing. Allele origin: germline.
Comment: This variant was observed in the ICSL laboratory as part of a predisposition screen in an ostensibly healthy population. It had not been previously curated by ICSL or reported in the Human Gene Mutation Database (HGMD: prior to June 1st, 2018), and was therefore a candidate for classification through an automated scoring system. Utilizing variant allele frequency, disease prevalence and penetrance estimates, and inheritance mode, an automated score was calculated to assess if this variant is too frequent to cause the disease. Based on the score and internal cut-off values, a variant classified as benign is not then subjected to further curation. The score for this variant resulted in a classification of benign for this disease.

GeneDx
Classification: Benign. Last evaluated: 2017-11-13. Review status: criteria provided, single submitter. Criteria: GeneDx Variant Classification (06012015). Collection method: clinical testing. Allele origin: germline. Affected: yes.
Comment: This variant is considered likely benign or benign based on one or more of the following criteria: it is a conservative change, it occurs at a poorly conserved position in the protein, it is predicted to be benign by multiple in silico algorithms, and/or has population frequency not consistent with disease.

Athena Diagnostics
Classification: Benign. Last evaluated: 2017-04-21. Review status: criteria provided, single submitter. Criteria: Athena Diagnostics Criteria. Collection method: clinical testing. Allele origin: germline.

PreventionGenetics, part of Exact Sciences
Classification: Benign for SPAST-related condition. Last evaluated: 2019-05-31. Review status: no assertion criteria provided. Collection method: clinical testing. Allele origin: germline. Not counted in ClinVar's aggregate classification.
Comment: This variant is classified as benign based on ACMG/AMP sequence variant interpretation guidelines (Richards et al. 2015 PMID: 25741868, with internal and published modifications).

Clinical Genetics DNA and cytogenetics Diagnostics Lab, Erasmus MC, Erasmus Medical Center
Classification: Likely benign. Review status: no assertion criteria provided. Collection method: clinical testing. Allele origin: germline. Affected: yes. Study: VKGL Data-share Consensus. Not counted in ClinVar's aggregate classification.

Joint Genome Diagnostic Labs from Nijmegen and Maastricht, Radboudumc and MUMC+
Classification: Likely benign. Review status: no assertion criteria provided. Collection method: clinical testing. Allele origin: germline. Affected: yes. Study: VKGL Data-share Consensus. Not counted in ClinVar's aggregate classification.

Literature cited by the submitters: PubMed 20214791 (cited by Athena Diagnostics); PubMed 20562464 (cited by Athena Diagnostics).

NM_014946.4(SPAST):c.484G>A (p.Val162Ile)

Gene: SPAST (spastin; plus strand). Cytogenetic location: 2p22.3.
Variant type: single nucleotide variant.
Coding change: c.484G>A on transcript NM_014946.4 (MANE Select); coding-DNA position 484, G replaced by A.
Protein change: p.Val162Ile; replaces valine 162 with isoleucine.
Molecular consequence: missense variant.
Genome position (GRCh38, 1-based): chr2:32,087,560, G>A. VCF-style: chr2-32087560-G-A. GRCh37 (hg19) VCF-style: chr2-32312629-G-A.
Other names: NM_014946.3(SPAST):c.484G>A(p.Val162Ile); NM_199436.1(SPAST):c.484G>A(p.Val162Ile); c.481G>A, p.Val161Ile (NM_001363823.2, NM_001363875.2); c.484G>A, p.Val162Ile (NM_001377959.1, NM_199436.2); short protein forms V162I, V161I.
Identifiers: ClinVar variation 335829 (VCV000335829.58), dbSNP rs141944844, ClinGen allele CA1600590.